The following is an entry in ClinVar:

NM_000540.3(RYR1):c.5196A>T (p.Glu1732Asp)

Gene: RYR1 (ryanodine receptor 1; plus strand). Cytogenetic location: 19q13.2.
Variant type: single nucleotide variant.
Coding change: c.5196A>T on transcript NM_000540.3 (MANE Select); coding-DNA position 5196, A replaced by T.
Protein change: p.Glu1732Asp; replaces glutamic acid 1732 with aspartic acid.
Molecular consequence: missense variant.
Genome position (GRCh38, 1-based): chr19:38,485,851, A>T. VCF-style: chr19-38485851-A-T. GRCh37 (hg19) VCF-style: chr19-38976491-A-T.
Other names: c.5196A>T, p.Glu1732Asp (NM_001042723.2); short protein forms E1732D.
Identifiers: ClinVar variation 1306468 (VCV001306468.2), dbSNP rs2145543462, ClinGen allele CA405654130.

ClinVar aggregate classification (germline): Uncertain significance (1 of 4 stars; one submission).

Submission:

GeneDx
Classification: Uncertain significance. Last evaluated: 2019-06-29. Review status: criteria provided, single submitter. Criteria: GeneDx Variant Classification Process June 2021. Collection method: clinical testing. Allele origin: germline. Affected: yes.
Comment: Has not been previously published as pathogenic or benign to our knowledge; Not observed in large population cohorts (Lek et al., 2016); In silico analysis, which includes protein predictors and evolutionary conservation, supports a deleterious effect